The following is an entry in ClinVar:

ClinVar aggregate classification (germline): Uncertain significance (1 of 4 stars; one submission).

Conditions:
Cardiovascular phenotype. Identifiers: MedGen CN230736.

Allele frequency attached by ClinVar (database versions not stated): ExAC 0.00002.
gnomAD v4.1: 38 of 1,614,000 alleles (0.0024%); highest among the groups gnomAD compares: East Asian, 0.071%; no homozygotes.

Submission:

Ambry Genetics
Classification: Uncertain significance for Cardiovascular phenotype. Last evaluated: 2022-09-27. Review status: criteria provided, single submitter. Criteria: Ambry Variant Classification Scheme 2023. Collection method: clinical testing. Allele origin: germline.
Comment: The c.204G>A variant (also known as p.T68T), located in coding exon 2 of the MYH6 gene, results from a G to A substitution at nucleotide position 204. This nucleotide substitution does not change the threonine at codon 68. This nucleotide position is poorly conserved in available vertebrate species. In silico splice site analysis for this alteration is inconclusive. Since supporting evidence is limited at this time, the clinical significance of this alteration remains unclear.

NM_002471.4(MYH6):c.204G>A (p.Thr68=)

Genes: MYH6 (myosin heavy chain 6; minus strand), LOC114827851 (VISTA enhancer hs2155; plus strand). Cytogenetic location: 14q11.2.
Variant type: single nucleotide variant.
Coding change: c.204G>A on transcript NM_002471.4 (MANE Select); coding-DNA position 204, G replaced by A.
Protein change: p.Thr68=; no amino-acid change (threonine 68 retained).
Molecular consequence: synonymous variant.
Genome position (GRCh38, 1-based): chr14:23,405,768, C>T on the plus strand (G>A on the coding strand, the complement: MYH6 is on the minus strand). VCF-style: chr14-23405768-C-T. GRCh37 (hg19) VCF-style: chr14-23874977-C-T.
Identifiers: ClinVar variation 1785039 (VCV001785039.2), dbSNP rs766095991, ClinGen allele CA7116226.
Genomic context (GRCh38, chr14:23,405,768, plus strand): 5'-CTCAATCTTGTCGAACTTGGGTGGGTTCTGCTGCAACACCTGGTCCTCCTTCACAGTCAC[C>T]GTCTGGAGGGGGCGCATAAGCAGGAGGATGAGTGACCACAATCCCTCCGGGACCCTTGCC-3'
Protein context (NP_002462.2, residues 58-78): KVIAETENGK[Thr68=]VTVKEDQVLQ